The following is an entry in ClinVar:

NM_002635.4(SLC25A3):c.562C>T (p.Arg188Ter)

Gene: SLC25A3 (solute carrier family 25 member 3; plus strand). Cytogenetic location: 12q23.1.
Variant type: single nucleotide variant.
Coding change: c.562C>T on transcript NM_002635.4 (MANE Select); coding-DNA position 562, C replaced by T.
Protein change: p.Arg188Ter; replaces arginine 188 with a stop codon.
Molecular consequence: nonsense.
Genome position (GRCh38, 1-based): chr12:98,598,624, C>T. VCF-style: chr12-98598624-C-T. GRCh37 (hg19) VCF-style: chr12-98992402-C-T.
Other names: c.565C>T, p.Arg189Ter (NM_005888.4); c.562C>T, p.Arg188Ter (NM_213611.3); short protein forms R188*, R189*.
Identifiers: ClinVar variation 4764988 (VCV004764988.1).

ClinVar aggregate classification (germline): Pathogenic (1 of 4 stars; one submission).

Submission:

Labcorp Genetics (formerly Invitae), Labcorp
Classification: Pathogenic. Last evaluated: 2025-03-04. Review status: criteria provided, single submitter. Criteria: Invitae Variant Classification Sherloc (09022015). Collection method: clinical testing. Allele origin: germline.
Comment: This sequence change creates a premature translational stop signal (p.Arg189*) in the SLC25A3 gene. It is expected to result in an absent or disrupted protein product. Loss-of-function variants in SLC25A3 are known to be pathogenic (PMID: 17273968, 21763135). This variant is not present in population databases (gnomAD no frequency). This variant has not been reported in the literature in individuals affected with SLC25A3-related conditions. For these reasons, this variant has been classified as Pathogenic.

Literature cited by the submitters: PubMed 17273968; PubMed 21763135.